The following is an entry in ClinVar:

NM_001170700.3(DTHD1):c.1006G>T (p.Val336Leu)

Gene: DTHD1 (death domain containing 1; plus strand). Cytogenetic location: 4p14.
Variant type: single nucleotide variant.
Coding change: c.1006G>T on transcript NM_001170700.3 (MANE Select); coding-DNA position 1006, G replaced by T.
Protein change: p.Val336Leu; replaces valine 336 with leucine.
Molecular consequence: missense variant. On other transcripts: non-coding transcript variant (2).
Genome position (GRCh38, 1-based): chr4:36,290,491, G>T. VCF-style: chr4-36290491-G-T. GRCh37 (hg19) VCF-style: chr4-36292113-G-T.
Other names: c.136G>T, p.Val46Leu (NM_001136536.5, NM_001378435.1); short protein forms V46L, V336L.
Identifiers: ClinVar variation 2085881 (VCV002085881.4), dbSNP rs1756007101, ClinGen allele CA356678827.
Genomic context (GRCh38, chr4:36,290,491, plus strand): 5'-CCATCATATGTTCTACAACAACTAGAATGCCGGATAATAAATCACATGAGTTCTTTAATA[G>T]TGGGTGATAATGAAGAGTTAGTTAGCAACGTCATAACTATTGAATGCTCAGATAAGGAAA-3'
Protein context (NP_001164171.2, residues 326-346): RIINHMSSLI[Val336Leu]GDNEELVSNV

ClinVar aggregate classification (germline): Uncertain significance (1 of 4 stars; one submission).

gnomAD v4.1: 1 of 1,551,716 alleles (0.000064%); highest among the groups gnomAD compares: Admixed American, 0.002%; no homozygotes.

Submission:

Labcorp Genetics (formerly Invitae), Labcorp
Classification: Uncertain significance. Last evaluated: 2022-09-14. Review status: criteria provided, single submitter. Criteria: Invitae Variant Classification Sherloc (09022015). Collection method: clinical testing. Allele origin: germline.
Comment: This sequence change replaces valine, which is neutral and non-polar, with leucine, which is neutral and non-polar, at codon 46 of the DTHD1 protein (p.Val46Leu). This variant is not present in population databases (gnomAD no frequency). This variant has not been reported in the literature in individuals affected with DTHD1-related conditions. Algorithms developed to predict the effect of missense changes on protein structure and function are either unavailable or do not agree on the potential impact of this missense change (SIFT: "Deleterious"; PolyPhen-2: "Probably Damaging"; Align-GVGD: "Class C0"). In summary, the available evidence is currently insufficient to determine the role of this variant in disease. Therefore, it has been classified as a Variant of Uncertain Significance.